The following is an entry in ClinVar:

ClinVar aggregate classification (germline): Likely pathogenic (1 of 4 stars; one submission).

Conditions:
Bifunctional peroxisomal enzyme deficiency (DBIF). Also called: DBP DEFICIENCY; PBFE DEFICIENCY; D-bifunctional protein deficiency. Identifiers: Orphanet 300, MedGen C0342870, MONDO:0009855, OMIM 261515. Disease mechanism: loss of function.

Submission:

Myriad Genetics, Inc.
Classification: Likely pathogenic for Bifunctional peroxisomal enzyme deficiency. Last evaluated: 2022-01-02. Review status: criteria provided, single submitter. Criteria: Myriad Autosomal Dominant, Autosomal Recessive and X-Linked Classification Criteria (2023). Collection method: clinical testing. Allele origin: unknown.
Comment: NM_000414.3(HSD17B4):c.1605T>A(C535*) is expected to be pathogenic in the context of HSD17B4-related disorders. This variant is predicted to lead to an abnormal or absent protein product due to the creation of a premature termination codon in HSD17B4, a gene where loss-of-function variants are known to be pathogenic. Please note: this variant was assessed in the context of healthy population screening.

NM_000414.4(HSD17B4):c.1605T>A (p.Cys535Ter)

Gene: HSD17B4 (hydroxysteroid 17-beta dehydrogenase 4; plus strand). Cytogenetic location: 5q23.1.
Variant type: single nucleotide variant.
Coding change: c.1605T>A on transcript NM_000414.4 (MANE Select); coding-DNA position 1605, T replaced by A.
Protein change: p.Cys535Ter; replaces cysteine 535 with a stop codon.
Molecular consequence: nonsense. On other transcripts: non-coding transcript variant (2).
Genome position (GRCh38, 1-based): chr5:119,525,948, T>A. VCF-style: chr5-119525948-T-A. GRCh37 (hg19) VCF-style: chr5-118861643-T-A.
Other names: c.1680T>A, p.Cys560Ter (NM_001199291.3); c.1551T>A, p.Cys517Ter (NM_001199292.2); c.1533T>A, p.Cys511Ter (NM_001292027.2, NM_001374498.1); c.1185T>A, p.Cys395Ter (NM_001292028.2); c.1596T>A, p.Cys532Ter (NM_001374497.1); c.1278T>A, p.Cys426Ter (NM_001374499.1); c.1164T>A, p.Cys388Ter (NM_001374500.1); c.1194T>A, p.Cys398Ter (NM_001374501.1, NM_001374502.1, NM_001374503.1); short protein forms C388*, C395*, C398*, C426*, C511*, C517*, C532*, C535*.
Identifiers: ClinVar variation 1726792 (VCV001726792.3), dbSNP rs2531912089, ClinGen allele CA360869264.
Genomic context (GRCh38, chr5:119,525,948, plus strand): 5'-ATCTAACTCAGTGTTCTCTCTTTTCCTAGGTTTTGACAAGCCCATATTACATGGATTATG[T>A]ACATTTGGATTTTCTGCCAGGCGTGTGTTACAGCAGTTTGCAGATAATGATGTGTCAAGA-3'